The following is an entry in ClinVar:

NM_001377.3(DYNC2H1):c.11870A>G (p.Asn3957Ser)

Gene: DYNC2H1 (dynein cytoplasmic 2 heavy chain 1; plus strand). Cytogenetic location: 11q22.3.
Variant type: single nucleotide variant.
Coding change: c.11870A>G on transcript NM_001377.3 (MANE Select); coding-DNA position 11870, A replaced by G.
Protein change: p.Asn3957Ser; replaces asparagine 3957 with serine.
Molecular consequence: missense variant.
Genome position (GRCh38, 1-based): chr11:103,321,173, A>G. VCF-style: chr11-103321173-A-G. GRCh37 (hg19) VCF-style: chr11-103191902-A-G.
Other names: c.11891A>G, p.Asn3964Ser (NM_001080463.2); short protein forms N3957S, N3964S.
Identifiers: ClinVar variation 4736765 (VCV004736765.1).
Genomic context (GRCh38, chr11:103,321,173, plus strand): 5'-TTAGAGTTCTTCAGTCATACCTGAAGCAGTTTTTTAATTCTTCAGTTATTGATGTATTCA[A>G]CCAAAGGAACAAGAAAAGCATTTTTCCATATTCCGTATCTCTACCACAATCCTGCAGCAT-3'
Protein context (NP_001368.2, residues 3947-3967): FFNSSVIDVF[Asn3957Ser]QRNKKSIFPY

ClinVar aggregate classification (germline): Uncertain significance (1 of 4 stars; one submission).

Conditions:
Jeune thoracic dystrophy. Also called: Short-rib thoracic dysplasia; Jeune syndrome; Infantile thoracic dystrophy; Thoracic pelvic phalangeal dystrophy; Jeune's syndrome; Chondroectodermal dysplasia-like syndrome. Identifiers: Orphanet 474, MedGen C0265275, MONDO:0018770.

gnomAD v4.1: 10 of 1,612,100 alleles (0.00062%); highest among the groups gnomAD compares: Admixed American, 0.0017%; no homozygotes.

Submission:

Labcorp Genetics (formerly Invitae), Labcorp
Classification: Uncertain significance for Jeune thoracic dystrophy. Last evaluated: 2025-08-18. Review status: criteria provided, single submitter. Criteria: Invitae Variant Classification Sherloc (09022015). Collection method: clinical testing. Allele origin: germline.
Comment: This sequence change replaces asparagine, which is neutral and polar, with serine, which is neutral and polar, at codon 3964 of the DYNC2H1 protein (p.Asn3964Ser). This variant is present in population databases (rs770785397, gnomAD 0.003%). This variant has not been reported in the literature in individuals affected with DYNC2H1-related conditions. Invitae Evidence Modeling of protein sequence and biophysical properties (such as structural, functional, and spatial information, amino acid conservation, physicochemical variation, residue mobility, and thermodynamic stability) indicates that this missense variant is not expected to disrupt DYNC2H1 protein function with a negative predictive value of 95%. In summary, the available evidence is currently insufficient to determine the role of this variant in disease. Therefore, it has been classified as a Variant of Uncertain Significance.